The following is an entry in ClinVar:

ClinVar aggregate classification (germline): Uncertain significance. Review status: criteria provided, multiple submitters, no conflicts (2 of 4 stars). 2 submissions from 2 submitters: Uncertain significance (2). Last evaluated 2020-08-27.

Conditions:
Hereditary nonpolyposis colorectal neoplasms. Identifiers: MedGen C0009405, MeSH D003123.
Hereditary cancer-predisposing syndrome. Also called: Hereditary Cancer Syndrome; Neoplastic Syndromes, Hereditary; Tumor predisposition; Hereditary neoplastic syndrome. Identifiers: Orphanet 140162, MedGen C0027672, MeSH D009386, MONDO:0015356.

Submissions (2):

Labcorp Genetics (formerly Invitae), Labcorp
Classification: Uncertain significance for Hereditary nonpolyposis colorectal neoplasms. Last evaluated: 2020-08-27. Review status: criteria provided, single submitter. Criteria: Invitae Variant Classification Sherloc (09022015). Collection method: clinical testing. Allele origin: germline.
Comment: This sequence change replaces phenylalanine with leucine at codon 643 of the MSH6 protein (p.Phe643Leu). The phenylalanine residue is highly conserved and there is a small physicochemical difference between phenylalanine and leucine. In summary, the available evidence is currently insufficient to determine the role of this variant in disease. Therefore, it has been classified as a Variant of Uncertain Significance. Advanced modeling of protein sequence and biophysical properties (such as structural, functional, and spatial information, amino acid conservation, physicochemical variation, residue mobility, and thermodynamic stability) performed at Invitae indicates that this missense variant is expected to disrupt MSH6 protein function. This variant has not been reported in the literature in individuals with MSH6-related conditions. This variant is not present in population databases (ExAC no frequency).

Ambry Genetics
Classification: Uncertain significance for Hereditary cancer-predisposing syndrome. Last evaluated: 2020-02-11. Review status: criteria provided, single submitter. Criteria: Ambry Variant Classification Scheme 2023. Collection method: clinical testing. Allele origin: germline.
Comment: The p.F643L variant (also known as c.1929T>A), located in coding exon 4 of the MSH6 gene, results from a T to A substitution at nucleotide position 1929. The phenylalanine at codon 643 is replaced by leucine, an amino acid with highly similar properties. This amino acid position is highly conserved in available vertebrate species. In addition, this alteration is predicted to be deleterious by in silico analysis. Since supporting evidence is limited at this time, the clinical significance of this alteration remains unclear.

NM_000179.3(MSH6):c.1929T>A (p.Phe643Leu)

Gene: MSH6 (mutS homolog 6; plus strand). Cytogenetic location: 2p16.3.
Variant type: single nucleotide variant.
Coding change: c.1929T>A on transcript NM_000179.3 (MANE Select); coding-DNA position 1929, T replaced by A.
Protein change: p.Phe643Leu; replaces phenylalanine 643 with leucine.
Molecular consequence: missense variant.
Genome position (GRCh38, 1-based): chr2:47,799,912, T>A. VCF-style: chr2-47799912-T-A. GRCh37 (hg19) VCF-style: chr2-48027051-T-A.
Other names: c.1539T>A, p.Phe513Leu (NM_001281492.2); c.1023T>A, p.Phe341Leu (NM_001281493.2, NM_001281494.2); short protein forms F341L, F513L, F643L.
Identifiers: ClinVar variation 1023381 (VCV001023381.9), dbSNP rs1057523080, ClinGen allele CA346750362.
Genomic context (GRCh38, chr2:47,799,912, plus strand): 5'-CGGCTCCCAGTTTTGGGATGCATCCAAAACTTTGAGAACTCTCCTTGAGGAAGAATATTT[T>A]AGGGAAAAGCTAAGTGATGGCATTGGGGTGATGTTACCCCAGGTGCTTAAAGGTATGACT-3'
Protein context (NP_000170.1, residues 633-653): TLRTLLEEEY[Phe643Leu]REKLSDGIGV